The following is an entry in ClinVar:

ClinVar aggregate classification (germline): Pathogenic (1 of 4 stars; one submission).

Conditions:
Developmental and epileptic encephalopathy 94 (DEE94). Also called: Epileptic encephalopathy, childhood-onset; CHD2-Related Neurodevelopmental Disorders. Identifiers: Orphanet 1942, Orphanet 2382, MedGen C3809278, MONDO:0014150, OMIM 615369.

Submission:

Institute of Human Genetics, University of Leipzig Medical Center
Classification: Pathogenic for Developmental and epileptic encephalopathy 94. Last evaluated: 2024-12-02. Review status: criteria provided, single submitter. Criteria: ACMG Guidelines, 2015. Collection method: clinical testing. Allele origin: de novo. Inheritance: Autosomal dominant inheritance. Affected: yes.
Comment: Criteria applied: PVS1,PS2_MOD,PM2

NM_001271.4(CHD2):c.1663_1664insC (p.Trp555fs)

Gene: CHD2 (chromodomain helicase DNA binding protein 2; plus strand). Cytogenetic location: 15q26.1.
Variant type: Insertion.
Coding change: c.1663_1664insC on transcript NM_001271.4 (MANE Select); coding-DNA positions 1663 to 1664, C inserted.
Protein change: p.Trp555fs; shifts the reading frame from tryptophan 555.
Molecular consequence: frameshift variant.
Genome position: GRCh38 VCF-style: chr15-92953517-T-TC. GRCh37 (hg19) VCF-style: chr15-93496747-T-TC.
Other names: short protein forms W555fs.
Identifiers: ClinVar variation 3572900 (VCV003572900.2).